The following is an entry in ClinVar:

NM_001005361.3(DNM2):c.1033G>A (p.Glu345Lys)

Gene: DNM2 (dynamin 2; plus strand). Cytogenetic location: 19p13.2.
Variant type: single nucleotide variant.
Coding change: c.1033G>A on transcript NM_001005361.3 (MANE Select); coding-DNA position 1033, G replaced by A.
Protein change: p.Glu345Lys; replaces glutamic acid 345 with lysine.
Molecular consequence: missense variant.
Genome position (GRCh38, 1-based): chr19:10,793,760, G>A. VCF-style: chr19-10793760-G-A. GRCh37 (hg19) VCF-style: chr19-10904436-G-A.
Other names: c.1033G>A, p.Glu345Lys (NM_001005360.3, NM_001005362.3, NM_001190716.2 and 1 more transcripts); short protein forms E345K.
Identifiers: ClinVar variation 3014027 (VCV003014027.3), dbSNP rs2513224300, ClinGen allele CA404047894.
Genomic context (GRCh38, chr19:10,793,760, plus strand): 5'-CTTTTTCCTTTTCCTCATAGGATGGTCCAGCAGTTTGGGGTGGATTTTGAGAAGAGGATC[G>A]AGGGCTCAGGAGATCAGGTGGACACTCTGGAGCTCTCCGGGGGCGCCCGAATCAATCGCA-3'
Protein context (NP_001005361.1, residues 335-355): QFGVDFEKRI[Glu345Lys]GSGDQVDTLE

ClinVar aggregate classification (germline): Uncertain significance (1 of 4 stars; one submission).

Conditions:
Charcot-Marie-Tooth disease dominant intermediate B (CMTDIB). Also called: CHARCOT-MARIE-TOOTH NEUROPATHY, DOMINANT INTERMEDIATE B; Charcot-Marie-Tooth disease dominant intermediate 1; CMT DI1; Charcot-Marie-Tooth disease dominant intermediate I. Identifiers: Orphanet 100044, Orphanet 228179, MedGen C1847902, MONDO:0011674, OMIM 606482.

Submission:

Labcorp Genetics (formerly Invitae), Labcorp
Classification: Uncertain significance for Charcot-Marie-Tooth disease dominant intermediate B. Last evaluated: 2024-02-08. Review status: criteria provided, single submitter. Criteria: Invitae Variant Classification Sherloc (09022015). Collection method: clinical testing. Allele origin: germline.
Comment: This sequence change replaces glutamic acid, which is acidic and polar, with lysine, which is basic and polar, at codon 345 of the DNM2 protein (p.Glu345Lys). This variant is not present in population databases (gnomAD no frequency). This variant has not been reported in the literature in individuals affected with DNM2-related conditions. Advanced modeling of protein sequence and biophysical properties (such as structural, functional, and spatial information, amino acid conservation, physicochemical variation, residue mobility, and thermodynamic stability) has been performed at Invitae for this missense variant, however the output from this modeling did not meet the statistical confidence thresholds required to predict the impact of this variant on DNM2 protein function. In summary, the available evidence is currently insufficient to determine the role of this variant in disease. Therefore, it has been classified as a Variant of Uncertain Significance.